The following is an entry in ClinVar:

NM_015910.7(WDPCP):c.1533G>A (p.Met511Ile)

Gene: WDPCP (WD repeat containing planar cell polarity effector; minus strand). Cytogenetic location: 2p15.
Variant type: single nucleotide variant.
Coding change: c.1533G>A on transcript NM_015910.7 (MANE Select); coding-DNA position 1533, G replaced by A.
Protein change: p.Met511Ile; replaces methionine 511 with isoleucine.
Molecular consequence: missense variant. On other transcripts: non-coding transcript variant (3).
Genome position (GRCh38, 1-based): chr2:63,381,997, C>T on the plus strand (G>A on the coding strand, the complement: WDPCP is on the minus strand). VCF-style: chr2-63381997-C-T. GRCh37 (hg19) VCF-style: chr2-63609132-C-T.
Other names: c.1056G>A, p.Met352Ile (NM_001042692.3); c.1461G>A, p.Met487Ile (NM_001354044.2); c.1533G>A, p.Met511Ile (NM_001354045.2); c.1533G>A (NM_015910.5); short protein forms M511I, M352I, M487I.
Identifiers: ClinVar variation 1472317 (VCV001472317.9), dbSNP rs2104900509, ClinGen allele CA347063357.

ClinVar aggregate classification (germline): Uncertain significance. Review status: criteria provided, multiple submitters, no conflicts (2 of 4 stars). 2 submissions from 2 submitters: Uncertain significance (2). Last evaluated 2024-11-02.

Conditions:
WDPCP-related disorder. Also called: WDPCP-related condition.
Bardet-Biedl syndrome (BBS). Identifiers: Orphanet 110, MedGen C0752166, MONDO:0015229.

Submissions (2):

PreventionGenetics, part of Exact Sciences
Classification: Uncertain significance for WDPCP-related condition. Last evaluated: 2024-11-02. Review status: criteria provided, single submitter. Criteria: ACMG Guidelines, 2015. Collection method: clinical testing. Allele origin: germline.
Comment: The WDPCP c.1533G>A variant is predicted to result in the amino acid substitution p.Met511Ile. To our knowledge, this variant has not been reported in the literature or in a large population database (gnomAD), indicating this variant is rare. At this time, the clinical significance of this variant is uncertain due to the absence of conclusive functional and genetic evidence.

Labcorp Genetics (formerly Invitae), Labcorp
Classification: Uncertain significance for Bardet-Biedl syndrome. Last evaluated: 2022-08-23. Review status: criteria provided, single submitter. Criteria: Invitae Variant Classification Sherloc (09022015). Collection method: clinical testing. Allele origin: germline.
Comment: In summary, the available evidence is currently insufficient to determine the role of this variant in disease. Therefore, it has been classified as a Variant of Uncertain Significance. Algorithms developed to predict the effect of missense changes on protein structure and function are either unavailable or do not agree on the potential impact of this missense change (SIFT: "Deleterious"; PolyPhen-2: "Probably Damaging"; Align-GVGD: "Class C0"). ClinVar contains an entry for this variant (Variation ID: 1472317). This variant has not been reported in the literature in individuals affected with WDPCP-related conditions. This variant is not present in population databases (gnomAD no frequency). This sequence change replaces methionine, which is neutral and non-polar, with isoleucine, which is neutral and non-polar, at codon 511 of the WDPCP protein (p.Met511Ile).